The following is an entry in ClinVar:

NM_015721.3(GEMIN4):c.803A>G (p.Lys268Arg)

Gene: GEMIN4 (gem nuclear organelle associated protein 4; minus strand). Cytogenetic location: 17p13.3.
Variant type: single nucleotide variant.
Coding change: c.803A>G on transcript NM_015721.3 (MANE Select); coding-DNA position 803, A replaced by G.
Protein change: p.Lys268Arg; replaces lysine 268 with arginine.
Molecular consequence: missense variant.
Genome position (GRCh38, 1-based): chr17:747,240, T>C on the plus strand (A>G on the coding strand, the complement: GEMIN4 is on the minus strand). VCF-style: chr17-747240-T-C. GRCh37 (hg19) VCF-style: chr17-650480-T-C.
Other names: short protein forms K268R.
Identifiers: ClinVar variation 1705217 (VCV001705217.1), dbSNP rs745658514, ClinGen allele CA8262804.

ClinVar aggregate classification (germline): Uncertain significance (1 of 4 stars; one submission).

Allele frequency attached by ClinVar (database versions not stated): gnomAD exomes 0.00004; gnomAD 0.00006; TOPMed 0.00008; ExAC 0.00009.
gnomAD v4.1: 62 of 1,613,662 alleles (0.0038%); highest among the groups gnomAD compares: Middle Eastern, 0.082%; no homozygotes.

Submission:

Women's Health and Genetics/Laboratory Corporation of America, LabCorp
Classification: Uncertain significance. Last evaluated: 2022-08-26. Review status: criteria provided, single submitter. Criteria: LabCorp Variant Classification Summary - May 2015. Collection method: clinical testing. Allele origin: germline.
Comment: Variant summary: GEMIN4 c.803A>G (p.Lys268Arg) results in a conservative amino acid change in the encoded protein sequence. Three of five in-silico tools predict a benign effect of the variant on protein function. The variant allele was found at a frequency of 6e-05 in 249218 control chromosomes (gnomAD). To our knowledge, no occurrence of c.803A>G in individuals affected with Neurodevelopmental Disorder With Microcephaly, Cataracts, And Renal Abnormalities and no experimental evidence demonstrating its impact on protein function have been reported. No clinical diagnostic laboratories have submitted clinical-significance assessments for this variant to ClinVar after 2014. Based on the evidence outlined above, the variant was classified as uncertain significance.